The following is an entry in ClinVar:

NM_001267550.2(TTN):c.88755T>C (p.Ser29585=)

Genes: TTN (titin; minus strand), TTN-AS1 (TTN antisense RNA 1; plus strand). Cytogenetic location: 2q31.2.
Variant type: single nucleotide variant.
Coding change: c.88755T>C on transcript NM_001267550.2 (MANE Select); coding-DNA position 88755, T replaced by C.
Protein change: p.Ser29585=; no amino-acid change (serine 29585 retained).
Molecular consequence: synonymous variant.
Genome position (GRCh38, 1-based): chr2:178,554,592, A>G on the plus strand (T>C on the coding strand, the complement: TTN is on the minus strand). VCF-style: chr2-178554592-A-G. GRCh37 (hg19) VCF-style: chr2-179419319-A-G.
Other names: c.83832T>C, p.Ser27944= (NM_001256850.1); c.61560T>C, p.Ser20520= (NM_003319.4); c.81051T>C, p.Ser27017= (NM_133378.4); c.61935T>C, p.Ser20645= (NM_133432.3); c.62136T>C, p.Ser20712= (NM_133437.4).
Identifiers: ClinVar variation 1106701 (VCV001106701.10), dbSNP rs1424674055, ClinGen allele CA430246474.

ClinVar aggregate classification (germline): Likely benign. Review status: criteria provided, multiple submitters, no conflicts (2 of 4 stars). 2 submissions from 2 submitters: Likely benign (2). Last evaluated 2026-06-27.

Conditions:
TTN-related disorder. Also called: TTN-related condition; TTN-related disease; TTN-related disorders.
Autosomal recessive limb-girdle muscular dystrophy type 2J (LGMDR10). Also called: Limb-girdle muscular dystrophy, type 2J; MUSCULAR DYSTROPHY, LIMB-GIRDLE, AUTOSOMAL RECESSIVE 10. Identifiers: Orphanet 140922, MedGen C1837342, MONDO:0012127, OMIM 608807.
Dilated cardiomyopathy 1G (CMD1G). Identifiers: Orphanet 154, MedGen C1858763, MONDO:0011400, OMIM 604145.

Allele frequency attached by ClinVar (database versions not stated): gnomAD 0.00001.
gnomAD v4.1: 2 of 1,613,774 alleles (0.00012%); highest among the groups gnomAD compares: African/African-American, 0.0027%; no homozygotes.

Submissions (2):

PreventionGenetics, part of Exact Sciences
Classification: Likely benign for TTN-related condition. Last evaluated: 2026-06-27. Review status: criteria provided, single submitter. Criteria: ACMG Guidelines, 2015. Collection method: clinical testing. Allele origin: germline.
Comment: This variant is classified as likely benign based on ACMG/AMP sequence variant interpretation guidelines (Richards et al. 2015 PMID: 25741868, with internal and published modifications).

Labcorp Genetics (formerly Invitae), Labcorp
Classification: Likely benign for Dilated cardiomyopathy 1G; Autosomal recessive limb-girdle muscular dystrophy type 2J. Last evaluated: 2021-03-24. Review status: criteria provided, single submitter. Criteria: Invitae Variant Classification Sherloc (09022015). Collection method: clinical testing. Allele origin: germline.